The following is an entry in ClinVar:

ClinVar aggregate classification (germline): Uncertain significance (1 of 4 stars; one submission).

Conditions:
Maturity-onset diabetes of the young (MODY). Also called: Maturity onset diabetes mellitus in young. Identifiers: Orphanet 552, MedGen C0342276, MONDO:0018911, HP:0004904.

Submission:

MVZ Dr. Eberhard & Partner Dortmund
Classification: Uncertain significance for Maturity-onset diabetes of the young. Last evaluated: 2023-10-27. Review status: criteria provided, single submitter. Criteria: ACMG Guidelines, 2015. Collection method: clinical testing. Allele origin: unknown. Observed: 1 heterozygote.
Comment: This variant was absent from variant databases (HGMD, ClinVar, LOVD). This variant has not yet been described in the literature and is not found in control groups of different ethnic groups. Computer-based analyses support a pathogenic relevance for the variant (large physicochemical difference between Ser and Ile but moderately conserved amino acid at this position).

NM_000352.6(ABCC8):c.188G>T (p.Ser63Ile)

Gene: ABCC8 (ATP binding cassette subfamily C member 8; minus strand). Cytogenetic location: 11p15.1.
Variant type: single nucleotide variant.
Coding change: c.188G>T on transcript NM_000352.6 (MANE Select); coding-DNA position 188, G replaced by T.
Protein change: p.Ser63Ile; replaces serine 63 with isoleucine.
Molecular consequence: missense variant. On other transcripts: non-coding transcript variant (1).
Genome position (GRCh38, 1-based): chr11:17,474,988, C>A on the plus strand (G>T on the coding strand, the complement: ABCC8 is on the minus strand). VCF-style: chr11-17474988-C-A. GRCh37 (hg19) VCF-style: chr11-17496535-C-A.
Other names: c.188G>T, p.Ser63Ile (NM_001287174.3, NM_001351295.2, NM_001351296.2 and 1 more transcripts); short protein forms S63I.
Identifiers: ClinVar variation 2775418 (VCV002775418.2), dbSNP rs2496919339, ClinGen allele CA379788197.
Genomic context (GRCh38, chr11:17,474,988, plus strand): 5'-AAGAGCAGCATGAAGGTCAGGATCCACCGCAGGTTGTGCCCAGGGAAATGAAGCCATGTG[C>A]TGTGGTGGATGTGCACCTTGGAGCTCTGACTTCCCCATCCTGCAGGGAGAGACAGTCAGA-3'
Protein context (NP_000343.2, residues 53-73): SQSSKVHIHH[Ser63Ile]TWLHFPGHNL